The following is an entry in ClinVar:

ClinVar aggregate classification (germline): Pathogenic (1 of 4 stars; one submission).

Conditions:
Long QT syndrome (LQTS). Identifiers: MedGen C0023976, MeSH D008133, MONDO:0002442. Disease mechanism: loss of function. Inheritance: Various modes of inheritance.

Submission:

Labcorp Genetics (formerly Invitae), Labcorp
Classification: Pathogenic for Long QT syndrome. Last evaluated: 2024-05-21. Review status: criteria provided, single submitter. Criteria: Invitae Variant Classification Sherloc (09022015). Collection method: clinical testing. Allele origin: germline.
Comment: This sequence change creates a premature translational stop signal (p.Phe335Cysfs*127) in the KCNQ1 gene. It is expected to result in an absent or disrupted protein product. Loss-of-function variants in KCNQ1 are known to be pathogenic (PMID: 9323054, 19862833). This variant is not present in population databases (gnomAD no frequency). This variant has not been reported in the literature in individuals affected with KCNQ1-related conditions. For these reasons, this variant has been classified as Pathogenic.

Literature cited by the submitters: PubMed 9323054; PubMed 19862833.

NM_000218.3(KCNQ1):c.1004_1005del (p.Phe335fs)

Gene: KCNQ1 (potassium voltage-gated channel subfamily Q member 1; plus strand). Cytogenetic location: 11p15.5.
Variant type: Deletion.
Coding change: c.1004_1005del on transcript NM_000218.3 (MANE Select); coding-DNA positions 1004 to 1005, 2 bases deleted (TT; older notation c.1004_1005delTT).
Protein change: p.Phe335fs; shifts the reading frame from phenylalanine 335.
Molecular consequence: frameshift variant.
Genome position (GRCh38, 1-based): chr11:2,583,517-2,583,518, TT deleted; deleting any 2 consecutive bases within chr11:2,583,516-2,583,518 gives the same sequence; the c. name uses the placement nearest the transcript's 3' end. VCF-style (leftmost placement, unchanged base first): chr11-2583515-CTT-C. GRCh37 (hg19) VCF-style: chr11-2604745-CTT-C.
Other names: c.1004_1005delTT, p.Phe335Cysfs (NM_001406836.1); c.734_735delTT, p.Phe245Cysfs (NM_001406837.1); c.560_561delTT, p.Phe187Cysfs (NM_001406838.1); c.623_624delTT, p.Phe208Cysfs (NM_181798.2); short protein forms F208fs, F335fs.
Identifiers: ClinVar variation 3000119 (VCV003000119.3), dbSNP rs1554894469, ClinGen allele CA004797.